The following is an entry in ClinVar:

NM_025137.4(SPG11):c.5557A>G (p.Lys1853Glu)

Gene: SPG11 (SPG11 vesicle trafficking associated, spatacsin; minus strand). Cytogenetic location: 15q21.1.
Variant type: single nucleotide variant.
Coding change: c.5557A>G on transcript NM_025137.4 (MANE Select); coding-DNA position 5557, A replaced by G.
Protein change: p.Lys1853Glu; replaces lysine 1853 with glutamic acid.
Molecular consequence: missense variant.
Genome position (GRCh38, 1-based): chr15:44,584,123, T>C on the plus strand (A>G on the coding strand, the complement: SPG11 is on the minus strand). VCF-style: chr15-44584123-T-C. GRCh37 (hg19) VCF-style: chr15-44876321-T-C.
Other names: c.5557A>G, p.Lys1853Glu (NM_001160227.2); c.5413A>G, p.Lys1805Glu (NM_001411132.1); short protein forms K1853E, K1805E.
Identifiers: ClinVar variation 1988021 (VCV001988021.4), dbSNP rs2505291002, ClinGen allele CA392222180.

ClinVar aggregate classification (germline): Uncertain significance (1 of 4 stars; one submission).

Conditions:
Hereditary spastic paraplegia 11. Also called: SPASTIC PARAPLEGIA, AUTOSOMAL RECESSIVE, COMPLICATED, WITH THIN CORPUS CALLOSUM; SPASTIC PARAPLEGIA, AUTOSOMAL RECESSIVE, WITH MENTAL IMPAIRMENT AND THIN CORPUS CALLOSUM; Spastic Paraplegia 11; Spastic paraplegia, mental retardation and thin corpus callosum; Nakamura Osame syndrome; Autosomal recessive hereditary spastic paraplegia, mental impairment, and thin corpus callosum. Identifiers: Orphanet 2822, MedGen C1858479, MONDO:0011445, OMIM 604360.

Submission:

Labcorp Genetics (formerly Invitae), Labcorp
Classification: Uncertain significance for Hereditary spastic paraplegia 11. Last evaluated: 2022-04-06. Review status: criteria provided, single submitter. Criteria: Invitae Variant Classification Sherloc (09022015). Collection method: clinical testing. Allele origin: germline.
Comment: This sequence change replaces lysine, which is basic and polar, with glutamic acid, which is acidic and polar, at codon 1853 of the SPG11 protein (p.Lys1853Glu). This variant is not present in population databases (gnomAD no frequency). This variant has not been reported in the literature in individuals affected with SPG11-related conditions. Algorithms developed to predict the effect of missense changes on protein structure and function are either unavailable or do not agree on the potential impact of this missense change (SIFT: "Tolerated"; PolyPhen-2: "Possibly Damaging"; Align-GVGD: "Class C0"). In summary, the available evidence is currently insufficient to determine the role of this variant in disease. Therefore, it has been classified as a Variant of Uncertain Significance.